The following is an entry in ClinVar:

ClinVar aggregate classification (germline): Conflicting classifications of pathogenicity. Review status: criteria provided, conflicting classifications (1 of 4 stars). 2 submissions from 2 submitters: Uncertain significance (1); Likely benign (1). Last evaluated 2026-03-10.

Allele frequency attached by ClinVar (database versions not stated): gnomAD exomes 0.00006 and 0.00023; ExAC 0.00025; gnomAD 0.00054 and 0.00057; TOPMed 0.00057; ESP Exome Variant Server 0.00069; 1000 Genomes Project 30x 0.00078; 1000 Genomes Project 0.00080.
gnomAD v4.1: 172 of 1,610,792 alleles (0.011%); highest among the groups gnomAD compares: African/African-American, 0.13%; no homozygotes.

Submissions (2):

Women's Health and Genetics/Laboratory Corporation of America, LabCorp
Classification: Uncertain significance. Last evaluated: 2026-03-10. Review status: criteria provided, single submitter. Criteria: LabCorp Variant Classification Summary - May 2015. Collection method: clinical testing. Allele origin: germline.
Comment: Variant summary: NOS3 c.2561C>T (p.Thr854Met) results in a non-conservative amino acid change in the encoded protein sequence. Algorithms developed to predict the effect of missense changes on protein structure and function all suggest that this variant is likely to be disruptive. The variant allele was found at a frequency of 0.00023 in 249594 control chromosomes. This frequency is not significantly higher than estimated for disease-causing variants in NOS3, allowing no conclusion about variant significance. c.2561C>T has been observed in the homozygous state in a case of fetal intracranial hemorrhage, however the fetus also carried a homozygous missense variant in the NAXD gene (Coste_2025). It was also noted that a previously terminated fetus with suspected intracranial hemorrhage from the same couple had the same homozygous NAXD variant while being heterozygous for the NOS3 variant. As a result, this report does not provide unequivocal conclusions about association of the variant with Moyamoya Disease or other NOS3-related disorders. To our knowledge, no experimental evidence demonstrating an impact on protein function has been reported. The following publication has been ascertained in the context of this evaluation (PMID: 39763161). ClinVar contains an entry for this variant (Variation ID: 735323). Based on the evidence outlined above, the variant was classified as uncertain significance.

Labcorp Genetics (formerly Invitae), Labcorp
Classification: Likely benign. Last evaluated: 2019-12-31. Review status: criteria provided, single submitter. Criteria: Invitae Variant Classification Sherloc (09022015). Collection method: clinical testing. Allele origin: germline.

Literature cited by the submitters: PubMed 39763161 (cited by Women's Health and Genetics/Laboratory Corporation of America, LabCorp).

NM_000603.5(NOS3):c.2561C>T (p.Thr854Met)

Gene: NOS3 (nitric oxide synthase 3; plus strand). Cytogenetic location: 7q36.1.
Variant type: single nucleotide variant.
Coding change: c.2561C>T on transcript NM_000603.5 (MANE Select); coding-DNA position 2561, C replaced by T.
Protein change: p.Thr854Met; replaces threonine 854 with methionine.
Molecular consequence: missense variant.
Genome position (GRCh38, 1-based): chr7:151,010,163, C>T. VCF-style: chr7-151010163-C-T. GRCh37 (hg19) VCF-style: chr7-150707251-C-T.
Other names: short protein forms T854M.
Identifiers: ClinVar variation 735323 (VCV000735323.5), dbSNP rs148919189, ClinGen allele CA4567413.
Genomic context (GRCh38, chr7:151,010,163, plus strand): 5'-CACTATCCCCAGGTGGCCCTCCCCCCGGCTGGGTGCGGGACCCCCGGCTGCCCCCGTGCA[C>T]GCTGCGCCAGGCTCTCACCTTCTTCCTGGACATCACCTCCCCACCCAGCCCTCAGCTCTT-3'
Protein context (NP_000594.2, residues 844-864): WVRDPRLPPC[Thr854Met]LRQALTFFLD